The following is an entry in ClinVar:

ClinVar aggregate classification (germline): Uncertain significance. Review status: criteria provided, multiple submitters, no conflicts (2 of 4 stars). 5 submissions from 5 submitters: Uncertain significance (5). Last evaluated 2026-08-04.

Conditions:
PLEC-related disorder. Also called: PLEC-related disorders; PLEC-related condition.
Epidermolysis bullosa simplex 5B, with muscular dystrophy (EBS5B). Also called: Epidermolysis bullosa simplex with muscular dystrophy; EPIDERMOLYSIS BULLOSA SIMPLEX AND LIMB-GIRDLE MUSCULAR DYSTROPHY. Identifiers: Orphanet 257, MedGen C2931072, MONDO:0009181, OMIM 226670.
Epidermolysis bullosa simplex with nail dystrophy (EBS5D). Identifiers: MedGen C4225309, MONDO:0014661, OMIM 616487.
Epidermolysis bullosa simplex 5C, with pyloric atresia (EBS5C). Also called: PLEC-Related Epidermolysis Bullosa with Pyloric Atresia; Epidermolysis bullosa simplex with pyloric atresia; PLEC1-Related Epidermolysis Bullosa with Pyloric Atresia. Identifiers: Orphanet 158684, MedGen C2677349, MONDO:0012807, OMIM 612138.
Epidermolysis bullosa simplex, Ogna type (EBS5A). Also called: Pidermolysis bullosa simplex 5A, Ogna type; EPIDERMOLYSIS BULLOSA SIMPLEX 5A, OGNA TYPE. Identifiers: Orphanet 79401, MedGen C0432317, MONDO:0007555, OMIM 131950.
Autosomal recessive limb-girdle muscular dystrophy type 2Q (LGMDR17). Also called: MUSCULAR DYSTROPHY, LIMB-GIRDLE, AUTOSOMAL RECESSIVE 17. Identifiers: Orphanet 254361, MedGen C3150989, MONDO:0013390, OMIM 613723.
Inborn genetic diseases. Identifiers: MedGen C0950123, MeSH D030342.

Allele frequency attached by ClinVar (database versions not stated): ExAC 0.00001; gnomAD 0.00010 and 0.00011; TOPMed 0.00012; 1000 Genomes Project 0.00020.
gnomAD v4.1: 40 of 1,613,546 alleles (0.0025%); highest among the groups gnomAD compares: African/African-American, 0.037%; no homozygotes.

Submissions (5):

PreventionGenetics, part of Exact Sciences
Classification: Uncertain significance for PLEC-related condition. Last evaluated: 2026-08-04. Review status: criteria provided, single submitter. Criteria: ACMG Guidelines, 2015. Collection method: clinical testing. Allele origin: germline.
Comment: The PLEC c.10745C>T variant is predicted to result in the amino acid substitution p.Thr3582Met. To our knowledge, this variant has not been reported in the literature. This variant is reported in 0.017% of alleles in individuals of African descent in gnomAD. At this time, the clinical significance of this variant is uncertain due to the absence of conclusive functional and genetic evidence.

Labcorp Genetics (formerly Invitae), Labcorp
Classification: Uncertain significance for Autosomal recessive limb-girdle muscular dystrophy type 2Q; Epidermolysis bullosa simplex, Ogna type; Epidermolysis bullosa simplex with nail dystrophy; Epidermolysis bullosa simplex 5C, with pyloric atresia; Epidermolysis bullosa simplex 5B, with muscular dystrophy. Last evaluated: 2026-01-22. Review status: criteria provided, single submitter. Criteria: Invitae Variant Classification Sherloc (09022015). Collection method: clinical testing. Allele origin: germline.
Comment: This sequence change replaces threonine, which is neutral and polar, with methionine, which is neutral and non-polar, at codon 3582 of the PLEC protein (p.Thr3582Met). This variant is present in population databases (rs141176249, gnomAD 0.02%). This variant has not been reported in the literature in individuals affected with PLEC-related conditions. ClinVar contains an entry for this variant (Variation ID: 1015974). An algorithm developed to predict the effect of missense changes on protein structure and function (PolyPhen-2) suggests that this variant is likely to be disruptive. In summary, the available evidence is currently insufficient to determine the role of this variant in disease. Therefore, it has been classified as a Variant of Uncertain Significance.

Ambry Genetics
Classification: Uncertain significance for Inborn genetic diseases. Last evaluated: 2025-04-10. Review status: criteria provided, single submitter. Criteria: Ambry Variant Classification Scheme 2023. Collection method: clinical testing. Allele origin: germline.

Blueprint Genetics
Classification: Uncertain significance. Last evaluated: 2024-09-20. Review status: criteria provided, single submitter. Criteria: ACMG Guidelines, 2015. Collection method: clinical testing. Allele origin: germline.

Revvity Omics, Revvity
Classification: Uncertain significance. Last evaluated: 2021-11-15. Review status: criteria provided, single submitter. Criteria: ACMG Guidelines, 2015. Collection method: clinical testing. Allele origin: germline.

NM_201384.3(PLEC):c.10664C>T (p.Thr3555Met)

Gene: PLEC (plectin; minus strand). Cytogenetic location: 8q24.3.
Variant type: single nucleotide variant.
Coding change: c.10664C>T on transcript NM_201384.3 (MANE Select); coding-DNA position 10664, C replaced by T.
Protein change: p.Thr3555Met; replaces threonine 3555 with methionine.
Molecular consequence: missense variant.
Genome position (GRCh38, 1-based): chr8:143,919,157, G>A on the plus strand (C>T on the coding strand, the complement: PLEC is on the minus strand). VCF-style: chr8-143919157-G-A. GRCh37 (hg19) VCF-style: chr8-144993325-G-A.
Other names: c.10745C>T (NM_000445.3, NM_000445.4); c.10622C>T, p.Thr3541Met (NM_201378.4); c.10598C>T, p.Thr3533Met (NM_201379.3); c.11075C>T, p.Thr3692Met (NM_201380.4); c.10568C>T, p.Thr3523Met (NM_201381.3); c.10664C>T, p.Thr3555Met (NM_201382.4); c.10676C>T, p.Thr3559Met (NM_201383.3); c.10745C>T, p.Thr3582Met (NM_000445.5); short protein forms T3523M, T3533M, T3541M, T3555M, T3559M, T3582M, T3692M.
Identifiers: ClinVar variation 1015974 (VCV001015974.14), dbSNP rs141176249, ClinGen allele CA4924570.